The following is an entry in ClinVar:

ClinVar aggregate classification (germline): Likely benign (1 of 4 stars; one submission).

gnomAD v4.1: 869 of 1,612,726 alleles (0.054%); highest among the groups gnomAD compares: Non-Finnish European, 0.068%; 1 homozygote.

Submission:

CeGaT Center for Human Genetics Tuebingen
Classification: Likely benign. Last evaluated: 2026-03-01. Review status: criteria provided, single submitter. Criteria: CeGaT Center For Human Genetics Tuebingen Variant Classification Criteria Version 2. Collection method: clinical testing. Allele origin: germline. Affected: yes. Observed: 3 variant alleles.
Comment: RFX7: BP4, BP7

NM_022841.7(RFX7):c.2292C>G (p.Val764=)

Gene: RFX7 (regulatory factor X7; minus strand). Cytogenetic location: 15q21.3.
Variant type: single nucleotide variant.
Coding change: c.2292C>G on transcript NM_022841.7 (MANE Select); coding-DNA position 2292, C replaced by G.
Protein change: p.Val764=; no amino-acid change (valine 764 retained).
Molecular consequence: synonymous variant.
Genome position (GRCh38, 1-based): chr15:56,095,436, G>C on the plus strand (C>G on the coding strand, the complement: RFX7 is on the minus strand). VCF-style: chr15-56095436-G-C. GRCh37 (hg19) VCF-style: chr15-56387634-G-C.
Other names: c.2001C>G, p.Val667= (NM_001368073.2, NM_001368074.1, NM_001370554.1); c.2292C>G, p.Val764= (NM_001370561.1).
Identifiers: ClinVar variation 3770745 (VCV003770745.13).